The following is an entry in ClinVar:

NM_003884.5(KAT2B):c.432T>C (p.Ala144=)

Gene: KAT2B (lysine acetyltransferase 2B; plus strand). Cytogenetic location: 3p24.3.
Variant type: single nucleotide variant.
Coding change: c.432T>C on transcript NM_003884.5 (MANE Select); coding-DNA position 432, T replaced by C.
Protein change: p.Ala144=; no amino-acid change (alanine 144 retained).
Molecular consequence: synonymous variant.
Genome position (GRCh38, 1-based): chr3:20,095,264, T>C. VCF-style: chr3-20095264-T-C. GRCh37 (hg19) VCF-style: chr3-20136756-T-C.
Identifiers: ClinVar variation 3030965 (VCV003030965.2), dbSNP rs1575130227, ClinGen allele CA432676935.

ClinVar aggregate classification (germline): Likely benign (0 of 4 stars; one submission).

Conditions:
KAT2B-related disorder. Also called: KAT2B-related condition.

Allele frequency attached by ClinVar (database versions not stated): gnomAD exomes below 0.00001; TOPMed below 0.00001.
gnomAD v4.1: 4 of 1,611,210 alleles (0.00025%); highest among the groups gnomAD compares: Middle Eastern, 0.033%; no homozygotes.

Submission:

PreventionGenetics, part of Exact Sciences
Classification: Likely benign for KAT2B-related condition. Last evaluated: 2020-11-30. Review status: no assertion criteria provided. Collection method: clinical testing. Allele origin: germline.
Comment: This variant is classified as likely benign based on ACMG/AMP sequence variant interpretation guidelines (Richards et al. 2015 PMID: 25741868, with internal and published modifications).